The following is an entry in ClinVar:

ClinVar aggregate classification (germline): Likely benign. Review status: criteria provided, multiple submitters, no conflicts (2 of 4 stars). 2 submissions from 2 submitters: Likely benign (2). Last evaluated 2024-11-14.

Allele frequency attached by ClinVar (database versions not stated): gnomAD 0.00015; ExAC 0.00021; TOPMed 0.00023.
gnomAD v4.1: 295 of 1,593,490 alleles (0.019%); highest among the groups gnomAD compares: Middle Eastern, 0.57%; 4 homozygotes.

Submissions (2):

Blueprint Genetics
Classification: Likely benign. Last evaluated: 2024-11-14. Review status: criteria provided, single submitter. Criteria: ACMG Guidelines, 2015. Collection method: clinical testing. Allele origin: germline.

CeGaT Center for Human Genetics Tuebingen
Classification: Likely benign. Last evaluated: 2024-08-01. Review status: criteria provided, single submitter. Criteria: CeGaT Center For Human Genetics Tuebingen Variant Classification Criteria Version 2. Collection method: clinical testing. Allele origin: germline. Affected: yes. Observed: 4 variant alleles.
Comment: SZT2: BP4, BS2

NM_001365999.1(SZT2):c.8151+8C>A

Gene: SZT2 (SZT2 subunit of KICSTOR complex; plus strand). Cytogenetic location: 1p34.2.
Variant type: single nucleotide variant.
Coding change: c.8151+8C>A on transcript NM_001365999.1 (MANE Select); 8 bases into the intron after coding-DNA position 8151, C replaced by A.
Molecular consequence: intron variant.
Genome position (GRCh38, 1-based): chr1:43,442,626, C>A. VCF-style: chr1-43442626-C-A. GRCh37 (hg19) VCF-style: chr1-43908297-C-A.
Other names: c.7980+8C>A (NM_015284.4).
Identifiers: ClinVar variation 2638754 (VCV002638754.25), dbSNP rs757772256, ClinGen allele CA810454.